The following is an entry in ClinVar:

ClinVar aggregate classification (germline): Uncertain significance (1 of 4 stars; one submission).

Conditions:
Very long chain acyl-CoA dehydrogenase deficiency (ACADVLD). Also called: VLCAD Deficiency; Very Long-Chain Acyl-Coenzyme A Dehydrogenase Deficiency. Identifiers: Orphanet 26793, MedGen C3887523, MONDO:0008723, OMIM 201475.

Allele frequency attached by ClinVar (database versions not stated): gnomAD exomes below 0.00001; gnomAD 0.00001.
gnomAD v4.1: 5 of 1,611,920 alleles (0.00031%); highest among the groups gnomAD compares: Non-Finnish European, 0.00042%; no homozygotes.

Submission:

Labcorp Genetics (formerly Invitae), Labcorp
Classification: Uncertain significance for Very long chain acyl-CoA dehydrogenase deficiency. Last evaluated: 2025-04-14. Review status: criteria provided, single submitter. Criteria: Invitae Variant Classification Sherloc (09022015). Collection method: clinical testing. Allele origin: germline.
Comment: This sequence change replaces isoleucine, which is neutral and non-polar, with threonine, which is neutral and polar, at codon 356 of the ACADVL protein (p.Ile356Thr). This variant is not present in population databases (gnomAD no frequency). This variant has not been reported in the literature in individuals affected with ACADVL-related conditions. ClinVar contains an entry for this variant (Variation ID: 849870). Invitae Evidence Modeling of protein sequence and biophysical properties (such as structural, functional, and spatial information, amino acid conservation, physicochemical variation, residue mobility, and thermodynamic stability) indicates that this missense variant is not expected to disrupt ACADVL protein function with a negative predictive value of 80%. In summary, the available evidence is currently insufficient to determine the role of this variant in disease. Therefore, it has been classified as a Variant of Uncertain Significance.

NM_000018.4(ACADVL):c.1067T>C (p.Ile356Thr)

Gene: ACADVL (acyl-CoA dehydrogenase very long chain; plus strand). Cytogenetic location: 17p13.1.
Variant type: single nucleotide variant.
Coding change: c.1067T>C on transcript NM_000018.4 (MANE Select); coding-DNA position 1067, T replaced by C.
Protein change: p.Ile356Thr; replaces isoleucine 356 with threonine.
Molecular consequence: missense variant.
Genome position (GRCh38, 1-based): chr17:7,222,855, T>C. VCF-style: chr17-7222855-T-C. GRCh37 (hg19) VCF-style: chr17-7126174-T-C.
Other names: c.1001T>C, p.Ile334Thr (NM_001033859.3); c.1136T>C, p.Ile379Thr (NM_001270447.2); c.839T>C, p.Ile280Thr (NM_001270448.2); short protein forms I356T, I280T, I334T, I379T.
Identifiers: ClinVar variation 849870 (VCV000849870.6), dbSNP rs2071297392, ClinGen allele CA397724279.